The following is an entry in ClinVar:

NM_020975.6(RET):c.1046C>T (p.Ala349Val)

Gene: RET (ret proto-oncogene; plus strand). Cytogenetic location: 10q11.21.
Variant type: single nucleotide variant.
Coding change: c.1046C>T on transcript NM_020975.6 (MANE Select); coding-DNA position 1046, C replaced by T.
Protein change: p.Ala349Val; replaces alanine 349 with valine.
Molecular consequence: missense variant.
Genome position (GRCh38, 1-based): chr10:43,106,554, C>T. VCF-style: chr10-43106554-C-T. GRCh37 (hg19) VCF-style: chr10-43602002-C-T.
Other names: c.1046C>T, p.Ala349Val (NM_000323.2, NM_001406743.1, NM_001406744.1 and 6 more transcripts); c.284C>T, p.Ala95Val (NM_001355216.2); c.917C>T, p.Ala306Val (NM_001406761.1, NM_001406762.1, NM_001406764.1 and 1 more transcripts); c.758C>T, p.Ala253Val (NM_001406766.1, NM_001406767.1, NM_001406770.1); short protein forms A349V, A95V, A253V, A306V.
Identifiers: ClinVar variation 1059168 (VCV001059168.10), dbSNP rs754859905, ClinGen allele CA030876.
Genomic context (GRCh38, chr10:43,106,554, plus strand): 5'-TCCGGGTGGAACACTGGCCCAACGAGACCTCGGTCCAGGCCAACGGCAGCTTCGTGCGGG[C>T]GACCGTACATGACTATAGTAAGAGGGGCTGGTGGCACGGCCTGGCTAGGCCCCCAGGAAA-3'
Protein context (NP_066124.1, residues 339-359): SVQANGSFVR[Ala349Val]TVHDYRLVLN

ClinVar aggregate classification (germline): Uncertain significance. Review status: criteria provided, multiple submitters, no conflicts (2 of 4 stars). 3 submissions from 3 submitters: Uncertain significance (3). Last evaluated 2025-04-07.

Conditions:
Hereditary cancer-predisposing syndrome. Also called: Hereditary Cancer Syndrome; Tumor predisposition; Hereditary neoplastic syndrome; Neoplastic Syndromes, Hereditary. Identifiers: Orphanet 140162, MedGen C0027672, MeSH D009386, MONDO:0015356.
Multiple endocrine neoplasia, type 2 (MEN2). Identifiers: Orphanet 653, MedGen C4048306, MONDO:0019003. Disease mechanism: gain of function.

Allele frequency attached by ClinVar (database versions not stated): gnomAD exomes below 0.00001 and 0.00001.
gnomAD v4.1: 5 of 1,613,584 alleles (0.00031%); highest among the groups gnomAD compares: East Asian, 0.0022%; no homozygotes.

Submissions (3):

Labcorp Genetics (formerly Invitae), Labcorp
Classification: Uncertain significance for Multiple endocrine neoplasia, type 2. Last evaluated: 2025-04-07. Review status: criteria provided, single submitter. Criteria: Invitae Variant Classification Sherloc (09022015). Collection method: clinical testing. Allele origin: germline.
Comment: This sequence change replaces alanine, which is neutral and non-polar, with valine, which is neutral and non-polar, at codon 349 of the RET protein (p.Ala349Val). This variant is present in population databases (rs754859905, gnomAD 0.006%). This variant has not been reported in the literature in individuals affected with RET-related conditions. ClinVar contains an entry for this variant (Variation ID: 1059168). An algorithm developed to predict the effect of missense changes on protein structure and function (PolyPhen-2) suggests that this variant is likely to be tolerated. Algorithms developed to predict the effect of sequence changes on RNA splicing suggest that this variant may create or strengthen a splice site. In summary, the available evidence is currently insufficient to determine the role of this variant in disease. Therefore, it has been classified as a Variant of Uncertain Significance.

Ambry Genetics
Classification: Uncertain significance for Hereditary cancer-predisposing syndrome. Last evaluated: 2024-01-09. Review status: criteria provided, single submitter. Criteria: Ambry Variant Classification Scheme 2023. Collection method: clinical testing. Allele origin: germline.
Comment: The p.A349V variant (also known as c.1046C>T), located in coding exon 5 of the RET gene, results from a C to T substitution at nucleotide position 1046. The alanine at codon 349 is replaced by valine, an amino acid with similar properties. This amino acid position is well conserved in available vertebrate species. In addition, the in silico prediction for this alteration is inconclusive. Since supporting evidence is limited at this time, the clinical significance of this alteration remains unclear.

Blueprint Genetics
Classification: Uncertain significance. Last evaluated: 2020-10-20. Review status: criteria provided, single submitter. Criteria: ACMG Guidelines, 2015. Collection method: clinical testing. Allele origin: germline.